The following is an entry in ClinVar:

ClinVar aggregate classification (germline): Uncertain significance. Review status: criteria provided, multiple submitters, no conflicts (2 of 4 stars). 2 submissions from 2 submitters: Uncertain significance (2). Last evaluated 2024-02-06.

gnomAD v4.1: 8 of 1,556,130 alleles (0.00051%); highest among the groups gnomAD compares: South Asian, 0.0012%; no homozygotes.

Submissions (2):

Ambry Genetics
Classification: Uncertain significance. Last evaluated: 2024-02-06. Review status: criteria provided, single submitter. Criteria: Ambry Variant Classification Scheme 2023. Collection method: clinical testing. Allele origin: germline.

Labcorp Genetics (formerly Invitae), Labcorp
Classification: Uncertain significance. Last evaluated: 2021-02-10. Review status: criteria provided, single submitter. Criteria: Invitae Variant Classification Sherloc (09022015). Collection method: clinical testing. Allele origin: germline.
Comment: Algorithms developed to predict the effect of missense changes on protein structure and function (SIFT, PolyPhen-2, Align-GVGD) all suggest that this variant is likely to be tolerated, but these predictions have not been confirmed by published functional studies and their clinical significance is uncertain. In summary, the available evidence is currently insufficient to determine the role of this variant in disease. Therefore, it has been classified as a Variant of Uncertain Significance. This variant has not been reported in the literature in individuals with RIMS1-related conditions. ClinVar contains an entry for this variant (Variation ID: 357838). The frequency data for this variant in the population databases is considered unreliable, as metrics indicate insufficient coverage at this position in the ExAC database. This sequence change replaces alanine with valine at codon 461 of the RIMS1 protein (p.Ala461Val). The alanine residue is weakly conserved and there is a small physicochemical difference between alanine and valine.

NM_014989.7(RIMS1):c.1382C>T (p.Ala461Val)

Gene: RIMS1 (regulating synaptic membrane exocytosis 1; plus strand). Cytogenetic location: 6q13.
Variant type: single nucleotide variant.
Coding change: c.1382C>T on transcript NM_014989.7 (MANE Select); coding-DNA position 1382, C replaced by T.
Protein change: p.Ala461Val; replaces alanine 461 with valine.
Molecular consequence: missense variant.
Genome position (GRCh38, 1-based): chr6:72,182,853, C>T. VCF-style: chr6-72182853-C-T. GRCh37 (hg19) VCF-style: chr6-72892556-C-T.
Other names: c.1382C>T (NM_014989.4); short protein forms A461V.
Identifiers: ClinVar variation 357838 (VCV000357838.15), dbSNP rs886061706, ClinGen allele CA10624560.